The following is an entry in ClinVar:

ClinVar aggregate classification (germline): Uncertain significance (1 of 4 stars; one submission).

Conditions:
Cardiovascular phenotype. Identifiers: MedGen CN230736.

Submission:

Ambry Genetics
Classification: Uncertain significance for Cardiovascular phenotype. Last evaluated: 2017-01-16. Review status: criteria provided, single submitter. Criteria: Ambry Variant Classification Scheme 2023. Collection method: clinical testing. Allele origin: germline.
Comment: The p.I1784T variant (also known as c.5351T>C), located in coding exon 23 of the DSP gene, results from a T to C substitution at nucleotide position 5351. The isoleucine at codon 1784 is replaced by threonine, an amino acid with similar properties. This amino acid position is highly conserved in available vertebrate species. In addition, the in silico prediction for this alteration is inconclusive. Since supporting evidence is limited at this time, the clinical significance of this alteration remains unclear.

NM_004415.4(DSP):c.5351T>C (p.Ile1784Thr)

Gene: DSP (desmoplakin; plus strand). Cytogenetic location: 6p24.3.
Variant type: single nucleotide variant.
Coding change: c.5351T>C on transcript NM_004415.4 (MANE Select); coding-DNA position 5351, T replaced by C.
Protein change: p.Ile1784Thr; replaces isoleucine 1784 with threonine.
Molecular consequence: missense variant. On other transcripts: intron variant (2).
Genome position (GRCh38, 1-based): chr6:7,581,541, T>C. VCF-style: chr6-7581541-T-C. GRCh37 (hg19) VCF-style: chr6-7581774-T-C.
Other names: c.5351T>C (LRG_423t1); c.4051-1101T>C (NM_001319034.2); c.3583-1101T>C (NM_001008844.3); short protein forms I1784T.
Identifiers: ClinVar variation 519067 (VCV000519067.5), dbSNP rs1554108491, ClinGen allele CA362688412.